The following is an entry in ClinVar:

ClinVar aggregate classification (germline): Uncertain significance (1 of 4 stars; one submission).

Conditions:
MPEG1-related disorder. Also called: MPEG1-related condition.

Submission:

PreventionGenetics, part of Exact Sciences
Classification: Uncertain significance for MPEG1-related condition. Last evaluated: 2025-12-08. Review status: criteria provided, single submitter. Criteria: ACMG Guidelines, 2015. Collection method: clinical testing. Allele origin: germline.
Comment: The MPEG1 c.558G>C variant is predicted to result in the amino acid substitution p.Gln186His. To our knowledge, this variant has not been reported in the literature or in a large population database (gnomAD), indicating this variant is rare. At this time, the clinical significance of this variant is uncertain due to the absence of conclusive functional and genetic evidence.

NM_001039396.2(MPEG1):c.558G>C (p.Gln186His)

Gene: MPEG1 (macrophage expressed 1; minus strand). Cytogenetic location: 11q12.1.
Variant type: single nucleotide variant.
Coding change: c.558G>C on transcript NM_001039396.2 (MANE Select); coding-DNA position 558, G replaced by C.
Protein change: p.Gln186His; replaces glutamine 186 with histidine.
Molecular consequence: missense variant.
Genome position (GRCh38, 1-based): chr11:59,212,308, C>G on the plus strand (G>C on the coding strand, the complement: MPEG1 is on the minus strand). VCF-style: chr11-59212308-C-G. GRCh37 (hg19) VCF-style: chr11-58979781-C-G.
Other names: short protein forms Q186H.
Identifiers: ClinVar variation 4984510 (VCV004984510.1).